The following is an entry in ClinVar:

ClinVar aggregate classification (germline): Uncertain significance (1 of 4 stars; one submission).

Conditions:
Creatine transporter deficiency (CCDS1). Also called: CEREBRAL CREATINE DEFICIENCY SYNDROME 1; Creatine Transporter (CRTR) Deficiency; Mental retardation , X-linked with seizures, short stature and midface hypoplasia; Mental retardation , X-linked, with creatine transport deficiency; X-linked creatine transporter deficiency; X-linked creatine deficiency syndrome. Identifiers: Orphanet 52503, MedGen C1845862, MONDO:0010305, OMIM 300352.

Submission:

Labcorp Genetics (formerly Invitae), Labcorp
Classification: Uncertain significance for Creatine transporter deficiency. Last evaluated: 2025-04-22. Review status: criteria provided, single submitter. Criteria: Invitae Variant Classification Sherloc (09022015). Collection method: clinical testing. Allele origin: germline.
Comment: This sequence change affects codon 418 of the SLC6A8 mRNA. It is a 'silent' change, meaning that it does not change the encoded amino acid sequence of the SLC6A8 protein. This variant also falls at the last nucleotide of exon 8, which is part of the consensus splice site for this exon. This variant is not present in population databases (gnomAD no frequency). This variant has not been reported in the literature in individuals affected with SLC6A8-related conditions. Variants that disrupt the consensus splice site are a relatively common cause of aberrant splicing (PMID: 17576681, 9536098). Algorithms developed to predict the effect of sequence changes on RNA splicing suggest that this variant may disrupt the consensus splice site. In summary, the available evidence is currently insufficient to determine the role of this variant in disease. Therefore, it has been classified as a Variant of Uncertain Significance.

Literature cited by the submitters: PubMed 17576681; PubMed 9536098.

NM_005629.4(SLC6A8):c.1254G>A (p.Gln418=)

Gene: SLC6A8 (solute carrier family 6 member 8; plus strand). Cytogenetic location: Xq28.
Variant type: single nucleotide variant.
Coding change: c.1254G>A on transcript NM_005629.4 (MANE Select); coding-DNA position 1254, G replaced by A.
Protein change: p.Gln418=; no amino-acid change (glutamine 418 retained).
Molecular consequence: synonymous variant.
Genome position (GRCh38, 1-based): chrX:153,694,017, G>A. VCF-style: chrX-153694017-G-A. GRCh37 (hg19) VCF-style: chrX-152959472-G-A.
Other names: c.1224G>A, p.Gln408= (NM_001142805.2); c.909G>A, p.Gln303= (NM_001142806.1).
Identifiers: ClinVar variation 4718078 (VCV004718078.1).